The following is an entry in ClinVar:

ClinVar aggregate classification (germline): Uncertain significance. Review status: criteria provided, multiple submitters, no conflicts (2 of 4 stars). 3 submissions from 3 submitters: Uncertain significance (2). 1 of the submissions does not count toward it. Last evaluated 2021-09-02.

Conditions:
Nemaline myopathy 2 (NEM2). Also called: Nemaline myopathy 2, autosomal recessive. Identifiers: MedGen C1850569, MONDO:0009725, OMIM 256030.
Inborn genetic diseases. Identifiers: MedGen C0950123, MeSH D030342.

Allele frequency attached by ClinVar (database versions not stated): gnomAD 0.00002 and 0.00005; gnomAD exomes 0.00002 and 0.00004; TOPMed 0.00002; ExAC 0.00003; 1000 Genomes Project 30x 0.00016; 1000 Genomes Project 0.00020.
gnomAD v4.1: 44 of 1,613,964 alleles (0.0027%); highest among the groups gnomAD compares: East Asian, 0.089%; no homozygotes.

Submissions (3):

Labcorp Genetics (formerly Invitae), Labcorp
Classification: Uncertain significance for Nemaline myopathy 2. Last evaluated: 2021-09-02. Review status: criteria provided, single submitter. Criteria: Invitae Variant Classification Sherloc (09022015). Collection method: clinical testing. Allele origin: germline.
Comment: This sequence change replaces glycine with glutamic acid at codon 610 of the NEB protein (p.Gly610Glu). The glycine residue is moderately conserved and there is a moderate physicochemical difference between glycine and glutamic acid. This variant is present in population databases (rs139125293, ExAC 0.05%). This variant has not been reported in the literature in individuals affected with NEB-related conditions. ClinVar contains an entry for this variant (Variation ID: 521170). Algorithms developed to predict the effect of missense changes on protein structure and function are either unavailable or do not agree on the potential impact of this missense change (SIFT: "Deleterious"; PolyPhen-2: "Not Available"; Align-GVGD: "Class C0"). In summary, the available evidence is currently insufficient to determine the role of this variant in disease. Therefore, it has been classified as a Variant of Uncertain Significance.

Ambry Genetics
Classification: Uncertain significance for Inborn genetic diseases. Last evaluated: 2016-08-01. Review status: criteria provided, single submitter. Criteria: Ambry exome assertion method (8-5-2015). Collection method: clinical testing. Allele origin: germline. Affected: yes. Observed: 1 variant allele.

Natera, Inc.
Classification: Uncertain significance for Nemaline myopathy type 2. Last evaluated: 2019-11-11. Review status: no assertion criteria provided. Collection method: clinical testing. Allele origin: germline. Not counted in ClinVar's aggregate classification.

NM_001164508.2(NEB):c.1829G>A (p.Gly610Glu)

Gene: NEB (nebulin; minus strand). Cytogenetic location: 2q23.3.
Variant type: single nucleotide variant.
Coding change: c.1829G>A on transcript NM_001164508.2 (MANE Select); coding-DNA position 1829, G replaced by A.
Protein change: p.Gly610Glu; replaces glycine 610 with glutamic acid.
Molecular consequence: missense variant.
Genome position (GRCh38, 1-based): chr2:151,694,390, C>T on the plus strand (G>A on the coding strand, the complement: NEB is on the minus strand). VCF-style: chr2-151694390-C-T. GRCh37 (hg19) VCF-style: chr2-152550904-C-T.
Other names: c.1829G>A, p.Gly610Glu (NM_001164507.2, NM_001271208.2, NM_004543.5); short protein forms G610E.
Identifiers: ClinVar variation 521170 (VCV000521170.12), dbSNP rs139125293, ClinGen allele CA1911431.